The following is an entry in ClinVar:

NM_001127898.4(CLCN5):c.933+1G>A

Gene: CLCN5 (Cl-/H+ antiporter 5; plus strand). Cytogenetic location: Xp11.23.
Variant type: single nucleotide variant.
Coding change: c.933+1G>A on transcript NM_001127898.4 (MANE Select); the canonical splice donor site of the intron after coding-DNA position 933, G replaced by A.
Molecular consequence: splice donor variant.
Genome position (GRCh38, 1-based): chrX:50,081,848, G>A. VCF-style: chrX-50081848-G-A. GRCh37 (hg19) VCF-style: chrX-49846505-G-A.
Other names: c.933+1G>A (NM_001127899.4); c.723+1G>A (NM_000084.5); c.783+1G>A (NM_001282163.2).
Identifiers: ClinVar variation 2748234 (VCV002748234.4), dbSNP rs2519422486, ClinGen allele CA413184594.

ClinVar aggregate classification (germline): Pathogenic/Likely pathogenic. Review status: criteria provided, multiple submitters, no conflicts (2 of 4 stars). 2 submissions from 2 submitters: Pathogenic (1); Likely pathogenic (1). Last evaluated 2024-04-10.

Conditions:
Dent disease type 1 (DENT1). Also called: NEPHROLITHIASIS 2; NEPHROLITHIASIS, HYPERCALCIURIC, X-LINKED. Identifiers: Orphanet 1652, Orphanet 93622, MedGen C1848336, MONDO:0010225, OMIM 300009.
Proteinuria, low molecular weight, with hypercalciuria and nephrocalcinosis. Identifiers: Orphanet 1652, Orphanet 93622, MedGen C1839874, MONDO:0010644, OMIM 308990.
Hypophosphatemic rickets, X-linked recessive (XLHRR). Identifiers: Orphanet 1652, Orphanet 93622, MedGen C1845168, MONDO:0010358, OMIM 300554.
X-linked recessive nephrolithiasis with renal failure (XRN). Also called: NEPHROLITHIASIS 1; NEPHROLITHIASIS, X-LINKED RECESSIVE, TYPE 1; UROLITHIASIS, X-LINKED RECESSIVE, TYPE 1. Identifiers: Orphanet 1652, Orphanet 93622, MedGen C0403720, MONDO:0010687, OMIM 310468.

Submissions (2):

Labcorp Genetics (formerly Invitae), Labcorp
Classification: Pathogenic. Last evaluated: 2024-04-10. Review status: criteria provided, single submitter. Criteria: Invitae Variant Classification Sherloc (09022015). Collection method: clinical testing. Allele origin: germline.
Comment: This sequence change affects a donor splice site in intron 6 of the CLCN5 gene. It is expected to disrupt RNA splicing. Variants that disrupt the donor or acceptor splice site typically lead to a loss of protein function (PMID: 16199547), and loss-of-function variants in CLCN5 are known to be pathogenic (PMID: 22876375, 25907713). This variant is not present in population databases (gnomAD no frequency). Disruption of this splice site has been observed in individual(s) with Dent disease (PMID: 27625851). Algorithms developed to predict the effect of sequence changes on RNA splicing suggest that this variant may disrupt the consensus splice site. For these reasons, this variant has been classified as Pathogenic.

Fulgent Genetics
Classification: Likely pathogenic for Dent disease type 1; Hypophosphatemic rickets, X-linked recessive; Proteinuria, low molecular weight, with hypercalciuria and nephrocalcinosis; X-linked recessive nephrolithiasis with renal failure. Last evaluated: 2024-03-25. Review status: criteria provided, single submitter. Criteria: ACMG Guidelines, 2015. Collection method: clinical testing. Allele origin: germline.

Literature cited by the submitters: PubMed 16199547 (cited by Labcorp Genetics (formerly Invitae), Labcorp); PubMed 22876375 (cited by Labcorp Genetics (formerly Invitae), Labcorp); PubMed 25907713 (cited by Labcorp Genetics (formerly Invitae), Labcorp); PubMed 27625851 (cited by Labcorp Genetics (formerly Invitae), Labcorp).